The following is an entry in ClinVar:

NM_000179.3(MSH6):c.2264A>C (p.Glu755Ala)

Gene: MSH6 (mutS homolog 6; plus strand). Cytogenetic location: 2p16.3.
Variant type: single nucleotide variant.
Coding change: c.2264A>C on transcript NM_000179.3 (MANE Select); coding-DNA position 2264, A replaced by C.
Protein change: p.Glu755Ala; replaces glutamic acid 755 with alanine.
Molecular consequence: missense variant.
Genome position (GRCh38, 1-based): chr2:47,800,247, A>C. VCF-style: chr2-47800247-A-C. GRCh37 (hg19) VCF-style: chr2-48027386-A-C.
Other names: c.1874A>C, p.Glu625Ala (NM_001281492.2); c.1358A>C, p.Glu453Ala (NM_001281493.2, NM_001281494.2); short protein forms E625A, E453A, E755A.
Identifiers: ClinVar variation 846670 (VCV000846670.12), dbSNP rs1669441030, ClinGen allele CA346752779.

ClinVar aggregate classification (germline): Uncertain significance. Review status: criteria provided, multiple submitters, no conflicts (2 of 4 stars). 2 submissions from 2 submitters: Uncertain significance (2). Last evaluated 2019-09-23.

Conditions:
Hereditary cancer-predisposing syndrome. Also called: Tumor predisposition; Hereditary neoplastic syndrome; Neoplastic Syndromes, Hereditary; Hereditary Cancer Syndrome. Identifiers: Orphanet 140162, MedGen C0027672, MeSH D009386, MONDO:0015356.
Hereditary nonpolyposis colorectal neoplasms. Identifiers: MedGen C0009405, MeSH D003123.

Allele frequency attached by ClinVar (database versions not stated): gnomAD exomes below 0.00001; TOPMed below 0.00001.
gnomAD v4.1: 1 of 1,614,178 alleles (0.000062%); highest among the groups gnomAD compares: East Asian, 0.0022%; no homozygotes.

Submissions (2):

Ambry Genetics
Classification: Uncertain significance for Hereditary cancer-predisposing syndrome. Last evaluated: 2019-09-23. Review status: criteria provided, single submitter. Criteria: Ambry Variant Classification Scheme 2023. Collection method: clinical testing. Allele origin: germline.
Comment: The p.E755A variant (also known as c.2264A>C), located in coding exon 4 of the MSH6 gene, results from an A to C substitution at nucleotide position 2264. The glutamic acid at codon 755 is replaced by alanine, an amino acid with dissimilar properties. This amino acid position is highly conserved in available vertebrate species. In addition, this alteration is predicted to be deleterious by in silico analysis. Since supporting evidence is limited at this time, the clinical significance of this alteration remains unclear.

Labcorp Genetics (formerly Invitae), Labcorp
Classification: Uncertain significance for Hereditary nonpolyposis colorectal neoplasms. Last evaluated: 2019-04-25. Review status: criteria provided, single submitter. Criteria: Invitae Variant Classification Sherloc (09022015). Collection method: clinical testing. Allele origin: germline.
Comment: This sequence change replaces glutamic acid with alanine at codon 755 of the MSH6 protein (p.Glu755Ala). The glutamic acid residue is highly conserved and there is a moderate physicochemical difference between glutamic acid and alanine. This variant is not present in population databases (ExAC no frequency). This variant has not been reported in the literature in individuals with MSH6-related conditions. Algorithms developed to predict the effect of missense changes on protein structure and function are either unavailable or do not agree on the potential impact of this missense change (SIFT: "Deleterious"; PolyPhen-2: "Probably Damaging"; Align-GVGD: "Class C15"). Algorithms developed to predict the effect of sequence changes on RNA splicing suggest that this variant may create or strengthen a splice site, but this prediction has not been confirmed by published transcriptional studies. In summary, the available evidence is currently insufficient to determine the role of this variant in disease. Therefore, it has been classified as a Variant of Uncertain Significance.